The following is an entry in ClinVar:

NM_019066.5(MAGEL2):c.1592T>G (p.Leu531Arg)

Gene: MAGEL2 (MAGE family member L2; minus strand). Cytogenetic location: 15q11.2.
Variant type: single nucleotide variant.
Coding change: c.1592T>G on transcript NM_019066.5 (MANE Select); coding-DNA position 1592, T replaced by G.
Protein change: p.Leu531Arg; replaces leucine 531 with arginine.
Molecular consequence: missense variant.
Genome position (GRCh38, 1-based): chr15:23,646,151, A>C on the plus strand (T>G on the coding strand, the complement: MAGEL2 is on the minus strand). VCF-style: chr15-23646151-A-C. GRCh37 (hg19) VCF-style: chr15-23891298-A-C.
Other names: c.1592T>G (NM_019066.4); short protein forms L531R.
Identifiers: ClinVar variation 4764417 (VCV004764417.2).

ClinVar aggregate classification (germline): Uncertain significance. Review status: criteria provided, multiple submitters, no conflicts (2 of 4 stars). 2 submissions from 2 submitters: Uncertain significance (2). Last evaluated 2026-01-15.

Conditions:
MAGEL2-related disorder. Also called: MAGEL2-related condition.

Submissions (2):

PreventionGenetics, part of Exact Sciences
Classification: Uncertain significance for MAGEL2-related condition. Last evaluated: 2026-01-15. Review status: criteria provided, single submitter. Criteria: ACMG Guidelines, 2015. Collection method: clinical testing. Allele origin: germline.
Comment: The MAGEL2 c.1592T>G variant is predicted to result in the amino acid substitution p.Leu531Arg. To our knowledge, this variant has not been reported in the literature or in a large population database (gnomAD), indicating this variant is rare. At this time, the clinical significance of this variant is uncertain due to the absence of conclusive functional and genetic evidence.

Labcorp Genetics (formerly Invitae), Labcorp
Classification: Uncertain significance. Last evaluated: 2025-11-17. Review status: criteria provided, single submitter. Criteria: Invitae Variant Classification Sherloc (09022015). Collection method: clinical testing. Allele origin: germline.
Comment: This sequence change replaces leucine, which is neutral and non-polar, with arginine, which is basic and polar, at codon 531 of the MAGEL2 protein (p.Leu531Arg). This variant is not present in population databases (gnomAD no frequency). This variant has not been reported in the literature in individuals affected with MAGEL2-related conditions. Invitae Evidence Modeling of protein sequence and biophysical properties (such as structural, functional, and spatial information, amino acid conservation, physicochemical variation, residue mobility, and thermodynamic stability) indicates that this missense variant is not expected to disrupt MAGEL2 protein function with a negative predictive value of 80%. In summary, the available evidence is currently insufficient to determine the role of this variant in disease. Therefore, it has been classified as a Variant of Uncertain Significance.